The following is an entry in ClinVar:

ClinVar aggregate classification (germline): Conflicting classifications of pathogenicity. Review status: criteria provided, conflicting classifications (1 of 4 stars). 2 submissions from 2 submitters: Uncertain significance (1); Likely benign (1). Last evaluated 2024-06-28.

Allele frequency attached by ClinVar (database versions not stated): TOPMed below 0.00001.
gnomAD v4.1: 4 of 1,168,294 alleles (0.00034%); highest among the groups gnomAD compares: Admixed American, 0.0025%; no homozygotes.

Submissions (2):

Blueprint Genetics
Classification: Likely benign. Last evaluated: 2024-06-28. Review status: criteria provided, single submitter. Criteria: ACMG Guidelines, 2015. Collection method: clinical testing. Allele origin: germline.

Labcorp Genetics (formerly Invitae), Labcorp
Classification: Uncertain significance. Last evaluated: 2024-01-20. Review status: criteria provided, single submitter. Criteria: Invitae Variant Classification Sherloc (09022015). Collection method: clinical testing. Allele origin: germline.
Comment: This sequence change falls in intron 4 of the ATP6AP1 gene. It does not directly change the encoded amino acid sequence of the ATP6AP1 protein. It affects a nucleotide within the consensus splice site. This variant is present in population databases (no rsID available, gnomAD 0.005%), including at least one homozygous and/or hemizygous individual. This variant has not been reported in the literature in individuals affected with ATP6AP1-related conditions. ClinVar contains an entry for this variant (Variation ID: 2049293). Variants that disrupt the consensus splice site are a relatively common cause of aberrant splicing (PMID: 17576681, 9536098). Algorithms developed to predict the effect of sequence changes on RNA splicing suggest that this variant is not likely to affect RNA splicing. In summary, the available evidence is currently insufficient to determine the role of this variant in disease. Therefore, it has been classified as a Variant of Uncertain Significance.

Literature cited by the submitters: PubMed 17576681 (cited by Labcorp Genetics (formerly Invitae), Labcorp); PubMed 9536098 (cited by Labcorp Genetics (formerly Invitae), Labcorp).

NM_001183.6(ATP6AP1):c.557+5T>C

Gene: ATP6AP1 (ATPase H+ transporting accessory protein 1; plus strand). Cytogenetic location: Xq28.
Variant type: single nucleotide variant.
Coding change: c.557+5T>C on transcript NM_001183.6 (MANE Select); 5 bases into the intron after coding-DNA position 557, T replaced by C.
Molecular consequence: intron variant.
Genome position (GRCh38, 1-based): chrX:154,432,464, T>C. VCF-style: chrX-154432464-T-C. GRCh37 (hg19) VCF-style: chrX-153660810-T-C.
Identifiers: ClinVar variation 2049293 (VCV002049293.5), dbSNP rs1557196989, ClinGen allele CA645177049.